The following is an entry in ClinVar:

NM_004522.3(KIF5C):c.2342G>T (p.Arg781Ile)

Gene: KIF5C (kinesin family member 5C; plus strand). Cytogenetic location: 2q23.2.
Variant type: single nucleotide variant.
Coding change: c.2342G>T on transcript NM_004522.3 (MANE Select); coding-DNA position 2342, G replaced by T.
Protein change: p.Arg781Ile; replaces arginine 781 with isoleucine.
Molecular consequence: missense variant. On other transcripts: non-coding transcript variant (1).
Genome position (GRCh38, 1-based): chr2:149,000,751, G>T. VCF-style: chr2-149000751-G-T. GRCh37 (hg19) VCF-style: chr2-149857265-G-T.
Other names: short protein forms R781I.
Identifiers: ClinVar variation 4531773 (VCV004531773.1).
Genomic context (GRCh38, chr2:149,000,751, plus strand): 5'-TGGTGGTCTATGGTTCCTTTTTGTTTTTCAGATTGCTCAACGATAAAAGGGAACAAGCCA[G>T]AGAAGACCTCAAAGGGCTGGAGGAGACAGTGGTATGTCAAGATATTTCCCGATTTATGTT-3'
Protein context (NP_004513.1, residues 771-791): LLLNDKREQA[Arg781Ile]EDLKGLEETV

ClinVar aggregate classification (germline): Uncertain significance (1 of 4 stars; one submission).

Conditions:
Complex cortical dysplasia with other brain malformations 2. Identifiers: MedGen C3809013, MONDO:0014116, OMIM 615282.

Submission:

Victorian Clinical Genetics Services, Murdoch Childrens Research Institute
Classification: Uncertain significance for Complex cortical dysplasia with other brain malformations 2. Last evaluated: 2025-09-09. Review status: criteria provided, single submitter. Criteria: ACMG Guidelines, 2015. Collection method: clinical testing. Allele origin: germline. Affected: yes.
Comment: This variant is classified as VUS-3B. Evidence in support of pathogenic classification: Variant is absent from gnomAD (v2, v3 and v4). Additional information: Variant is predicted to result in a missense amino acid change from Arg to Ile; This variant is heterozygous; This gene is associated with autosomal dominant disease; Alternative amino acid change(s) at the same position are present in gnomAD (highest allele count: v4: 15 heterozygote(s), 0 homozygote(s)); This variant has no previous evidence of pathogenicity; No published evidence of segregation with disease has been identified for this variant; No published functional evidence has been identified for this variant; No comparable missense variants have previous evidence for pathogenicity; Variant is not located in an established domain, motif, hotspot or informative constraint region; Missense variant with inconclusive in silico prediction and uninformative conservation; The mechanism of disease for this gene is not clearly established. Dominant negative and loss of function have been suggested (PMID: 24812067, 39503049); Variants in this gene are known to have variable expressivity (OMIM; PMID: 39503049); Inheritance information for this variant is not currently available in this individual.

Literature cited by the submitters: PubMed 24812067; PubMed 39503049.